The following is an entry in ClinVar:

ClinVar aggregate classification (germline): Uncertain significance. Review status: criteria provided, single submitter (1 of 4 stars). 2 submissions from 2 submitters: Uncertain significance (1). 1 of the submissions does not count toward it. Last evaluated 2026-03-04.

Conditions:
COL4A2-related disorder. Also called: COL4A2-related disorders; COL4A2-related condition.

gnomAD v4.1: 80 of 1,612,530 alleles (0.005%); highest among the groups gnomAD compares: Non-Finnish European, 0.0066%; no homozygotes.

Submissions (2):

GeneDx
Classification: Uncertain significance. Last evaluated: 2026-03-04. Review status: criteria provided, single submitter. Criteria: GeneDx Variant Classification Process June 2021. Collection method: clinical testing. Allele origin: germline.
Comment: In silico analysis suggests that this missense variant does not alter protein structure/function; Has not been previously published as pathogenic or benign to our knowledge

PreventionGenetics, part of Exact Sciences
Classification: Uncertain significance for COL4A2-related condition. Last evaluated: 2024-03-06. Review status: no assertion criteria provided. Collection method: clinical testing. Allele origin: germline. Not counted in ClinVar's aggregate classification.
Comment: The COL4A2 c.4G>A variant is predicted to result in the amino acid substitution p.Gly2Arg. To our knowledge, this variant has not been reported in the literature. This variant is reported in 0.0072% of alleles in individuals of European (Non-Finnish) descent in gnomAD. At this time, the clinical significance of this variant is uncertain due to the absence of conclusive functional and genetic evidence.

NM_001846.4(COL4A2):c.4G>A (p.Gly2Arg)

Gene: COL4A2 (collagen type IV alpha 2 chain; plus strand). Cytogenetic location: 13q34.
Variant type: single nucleotide variant.
Coding change: c.4G>A on transcript NM_001846.4 (MANE Select); coding-DNA position 4, G replaced by A.
Protein change: p.Gly2Arg; replaces glycine 2 with arginine.
Molecular consequence: missense variant.
Genome position (GRCh38, 1-based): chr13:110,307,907, G>A. VCF-style: chr13-110307907-G-A. GRCh37 (hg19) VCF-style: chr13-110960254-G-A.
Other names: c.4G>A (NM_001846.2); short protein forms G2R.
Identifiers: ClinVar variation 3357493 (VCV003357493.2).
Genomic context (GRCh38, chr13:110,307,907, plus strand): 5'-CTGTCGCCTCTAGGCTAAGTGGGACTGACCGGGGCCCAGAGTGGACGAACCGCCAGCATG[G>A]GGAGAGACCAGCGCGCGGTGGCCGGCCCTGCCCTACGGCGGTAAGCGACTTTCTGCCTGG-3'
Protein context (NP_001837.2, residues 1-12): M[Gly2Arg]RDQRAVAGPA